The following is an entry in ClinVar:

ClinVar aggregate classification (germline): Uncertain significance (1 of 4 stars; one submission).

Conditions:
Cardiovascular phenotype. Identifiers: MedGen CN230736.

Submission:

Ambry Genetics
Classification: Uncertain significance for Cardiovascular phenotype. Last evaluated: 2023-10-29. Review status: criteria provided, single submitter. Criteria: Ambry Variant Classification Scheme 2023. Collection method: clinical testing. Allele origin: germline.
Comment: The p.S2666T variant (also known as c.7997G>C), located in coding exon 38 of the ANK2 gene, results from a G to C substitution at nucleotide position 7997. The serine at codon 2666 is replaced by threonine, an amino acid with similar properties. This amino acid position is conserved. In addition, this alteration is predicted to be tolerated by in silico analysis. Since supporting evidence is limited at this time, the clinical significance of this alteration remains unclear.

NM_001148.6(ANK2):c.7997G>C (p.Ser2666Thr)

Gene: ANK2 (ankyrin 2; plus strand). Cytogenetic location: 4q26.
Variant type: single nucleotide variant.
Coding change: c.7997G>C on transcript NM_001148.6 (MANE Select); coding-DNA position 7997, G replaced by C.
Protein change: p.Ser2666Thr; replaces serine 2666 with threonine.
Molecular consequence: missense variant. On other transcripts: intron variant (68).
Genome position (GRCh38, 1-based): chr4:113,356,615, G>C. VCF-style: chr4-113356615-G-C. GRCh37 (hg19) VCF-style: chr4-114277771-G-C.
Other names: c.7763G>C, p.Ser2588Thr (NM_001386142.1); c.4397G>C, p.Ser1466Thr (NM_001386166.1); c.8138G>C, p.Ser2713Thr (NM_001386174.1); c.8114G>C, p.Ser2705Thr (NM_001386175.1); c.4412-4208G>C (NM_001386186.2, NM_001386148.2); c.4214-4208G>C (NM_001354269.3); c.4292-4208G>C (NM_001386187.2); c.4253-4208G>C (NM_001386147.1); and 35 more; short protein forms S1466T, S2588T, S2666T, S2705T, S2713T.
Identifiers: ClinVar variation 3221008 (VCV003221008.1), dbSNP rs2505800530, ClinGen allele CA357932818.
Genomic context (GRCh38, chr4:113,356,615, plus strand): 5'-AAAGTGGTGTCCCTGTGTTAGTAACTTCGGAGAGCAGGAAGGTGTCTTCCTCCTCAGAAA[G>C]TGAACCTGAGTTGGCACAGCTTAAAAAAGGTGCTGACTCAGGCCTTTTACCAGAACCAGT-3'
Protein context (NP_001139.3, residues 2656-2676): ESRKVSSSSE[Ser2666Thr]EPELAQLKKG